The following is an entry in ClinVar:

NM_001365536.1(SCN9A):c.2644G>A (p.Val882Met)

Genes: SCN9A (sodium voltage-gated channel alpha subunit 9; minus strand), SCN1A-AS1 (SCN1A and SCN9A antisense RNA 1; plus strand). Cytogenetic location: 2q24.3.
Variant type: single nucleotide variant.
Coding change: c.2644G>A on transcript NM_001365536.1 (MANE Select); coding-DNA position 2644, G replaced by A.
Protein change: p.Val882Met; replaces valine 882 with methionine.
Molecular consequence: missense variant. On other transcripts: non-coding transcript variant (1).
Genome position (GRCh38, 1-based): chr2:166,277,213, C>T on the plus strand (G>A on the coding strand, the complement: SCN9A is on the minus strand). VCF-style: chr2-166277213-C-T. GRCh37 (hg19) VCF-style: chr2-167133723-C-T.
Other names: c.2611G>A, p.Val871Met (NM_002977.4); short protein forms V871M, V882M.
Identifiers: ClinVar variation 4787518 (VCV004787518.1).

ClinVar aggregate classification (germline): Uncertain significance (1 of 4 stars; one submission).

Conditions:
Neuropathy, hereditary sensory and autonomic, type 2A (HSAN2A). Also called: ACROOSTEOLYSIS, GIACCAI TYPE; ACROOSTEOLYSIS, NEUROGENIC; MORVAN DISEASE; NEUROPATHY, CONGENITAL SENSORY; NEUROPATHY, HEREDITARY SENSORY RADICULAR, AUTOSOMAL RECESSIVE; NEUROPATHY, HEREDITARY SENSORY, TYPE IIA. Identifiers: Orphanet 970, MedGen C2752089, MONDO:0024309, OMIM 201300.
Generalized epilepsy with febrile seizures plus, type 7 (GEFSP7). Also called: GEFS+, TYPE 7. Identifiers: Orphanet 36387, MedGen C2751778, MONDO:0013470, OMIM 613863.

gnomAD v4.1: 2 of 1,614,096 alleles (0.00012%); highest among the groups gnomAD compares: South Asian, 0.0011%; no homozygotes.

Submission:

Labcorp Genetics (formerly Invitae), Labcorp
Classification: Uncertain significance for Neuropathy, hereditary sensory and autonomic, type 2A; Generalized epilepsy with febrile seizures plus, type 7. Last evaluated: 2025-02-26. Review status: criteria provided, single submitter. Criteria: Invitae Variant Classification Sherloc (09022015). Collection method: clinical testing. Allele origin: germline.
Comment: This sequence change replaces valine, which is neutral and non-polar, with methionine, which is neutral and non-polar, at codon 871 of the SCN9A protein (p.Val871Met). This variant is not present in population databases (gnomAD no frequency). This variant has not been reported in the literature in individuals affected with SCN9A-related conditions. Invitae Evidence Modeling of protein sequence and biophysical properties (such as structural, functional, and spatial information, amino acid conservation, physicochemical variation, residue mobility, and thermodynamic stability) has been performed for this missense variant. However, the output from this modeling did not meet the statistical confidence thresholds required to predict the impact of this variant on SCN9A protein function. In summary, the available evidence is currently insufficient to determine the role of this variant in disease. Therefore, it has been classified as a Variant of Uncertain Significance.